The following is an entry in ClinVar:

NM_005045.4(RELN):c.4222A>C (p.Ile1408Leu)

Gene: RELN (reelin; minus strand). Cytogenetic location: 7q22.1.
Variant type: single nucleotide variant.
Coding change: c.4222A>C on transcript NM_005045.4 (MANE Select); coding-DNA position 4222, A replaced by C.
Protein change: p.Ile1408Leu; replaces isoleucine 1408 with leucine.
Molecular consequence: missense variant.
Genome position (GRCh38, 1-based): chr7:103,575,629, T>G on the plus strand (A>C on the coding strand, the complement: RELN is on the minus strand). VCF-style: chr7-103575629-T-G. GRCh37 (hg19) VCF-style: chr7-103216076-T-G.
Other names: c.4222A>C, p.Ile1408Leu (NM_173054.3); short protein forms I1408L.
Identifiers: ClinVar variation 1007228 (VCV001007228.8), dbSNP rs1381220339, ClinGen allele CA368752333.

ClinVar aggregate classification (germline): Uncertain significance (1 of 4 stars; one submission).

Conditions:
Norman-Roberts syndrome (LIS2). Also called: Lissencephaly 2 (Norman-Roberts type). Identifiers: Orphanet 89844, MedGen C0796089, MONDO:0009760, OMIM 257320.
Familial temporal lobe epilepsy 7. Identifiers: Orphanet 101046, MedGen C4225327, MONDO:0014639, OMIM 616436.

Allele frequency attached by ClinVar (database versions not stated): TOPMed 0.00001.
gnomAD v4.1: 27 of 1,614,022 alleles (0.0017%); highest among the groups gnomAD compares: East Asian, 0.0022%; no homozygotes.

Submission:

Labcorp Genetics (formerly Invitae), Labcorp
Classification: Uncertain significance for Familial temporal lobe epilepsy 7; Norman-Roberts syndrome. Last evaluated: 2023-07-13. Review status: criteria provided, single submitter. Criteria: Invitae Variant Classification Sherloc (09022015). Collection method: clinical testing. Allele origin: germline.
Comment: This variant has not been reported in the literature in individuals affected with RELN-related conditions. This variant is present in population databases (no rsID available, gnomAD 0.007%). This sequence change replaces isoleucine, which is neutral and non-polar, with leucine, which is neutral and non-polar, at codon 1408 of the RELN protein (p.Ile1408Leu). In summary, the available evidence is currently insufficient to determine the role of this variant in disease. Therefore, it has been classified as a Variant of Uncertain Significance. Advanced modeling of protein sequence and biophysical properties (such as structural, functional, and spatial information, amino acid conservation, physicochemical variation, residue mobility, and thermodynamic stability) performed at Invitae indicates that this missense variant is not expected to disrupt RELN protein function. ClinVar contains an entry for this variant (Variation ID: 1007228).